The following is an entry in ClinVar:

NM_000081.4(LYST):c.7499del (p.Ile2500fs)

Gene: LYST (lysosomal trafficking regulator; minus strand). Cytogenetic location: 1q42.3.
Variant type: Deletion.
Coding change: c.7499del on transcript NM_000081.4 (MANE Select); coding-DNA position 7499, one base deleted (T; older notation c.7499delT).
Protein change: p.Ile2500fs; shifts the reading frame from isoleucine 2500.
Molecular consequence: frameshift variant.
Genome position (GRCh38, 1-based): chr1:235,752,133, A deleted on the plus strand (T on the coding strand, the reverse complement: LYST is on the minus strand). VCF-style (leftmost placement, unchanged base first): chr1-235752132-TA-T. GRCh37 (hg19) VCF-style: chr1-235915432-TA-T.
Other names: c.7499del, p.Ile2500fs (NM_001301365.1); short protein forms I2500fs.
Identifiers: ClinVar variation 2845726 (VCV002845726.3), dbSNP rs2527722597, ClinGen allele CA2739273982.

ClinVar aggregate classification (germline): Pathogenic (1 of 4 stars; one submission).

Conditions:
Chédiak-Higashi syndrome (CHS). Also called: Chediak-Higashi Syndrome. Identifiers: Orphanet 167, MedGen C0007965, MONDO:0008963, OMIM 214500.

Submission:

Labcorp Genetics (formerly Invitae), Labcorp
Classification: Pathogenic for Chédiak-Higashi syndrome. Last evaluated: 2023-03-15. Review status: criteria provided, single submitter. Criteria: Invitae Variant Classification Sherloc (09022015). Collection method: clinical testing. Allele origin: germline.
Comment: This sequence change creates a premature translational stop signal (p.Ile2500Asnfs*6) in the LYST gene. It is expected to result in an absent or disrupted protein product. Loss-of-function variants in LYST are known to be pathogenic (PMID: 9215679, 11857544). This variant is not present in population databases (gnomAD no frequency). This variant has not been reported in the literature in individuals affected with LYST-related conditions. Algorithms developed to predict the effect of sequence changes on RNA splicing suggest that this variant may disrupt the consensus splice site. For these reasons, this variant has been classified as Pathogenic.

Literature cited by the submitters: PubMed 9215679; PubMed 11857544.